The following is an entry in ClinVar:

NM_004415.4(DSP):c.5792_5793insGAGTTAGATA (p.Glu1931_Arg1932insSerTer)

Gene: DSP (desmoplakin; plus strand). Cytogenetic location: 6p24.3.
Variant type: Microsatellite.
Coding change: c.5792_5793insGAGTTAGATA on transcript NM_004415.4 (MANE Select); coding-DNA positions 5792 to 5793, GAGTTAGATA inserted.
Protein change: p.Glu1931_Arg1932insSerTer.
Molecular consequence: nonsense, inframe insertion.
Genome position: GRCh38 VCF-style: chr6-7583053-G-GAGAGTTAGAT. GRCh37 (hg19) VCF-style: chr6-7583286-G-GAGAGTTAGAT.
Other names: c.3995_3996insGAGTTAGATA, p.Glu1332_Arg1333insSerTer (NM_001008844.3); c.4463_4464insGAGTTAGATA, p.Glu1488_Arg1489insSerTer (NM_001319034.2).
Identifiers: ClinVar variation 2775329 (VCV002775329.3), dbSNP rs2533937556.
Genomic context (GRCh38, chr6:7,583,053, plus strand): 5'-GAGAGGTGCAGGCGTAAGCTGGAGGATTCTACCAGGGAGACACAGTCACAGTTAGAAACA[G>GAGAGTTAGAT]AACGCTCCCGATATCAGAGGGAGATTGATAAACTCAGACAGCGCCCATATGGGTCCCATC-3'

ClinVar aggregate classification (germline): Likely pathogenic. Review status: criteria provided, multiple submitters, no conflicts (2 of 4 stars). 2 submissions from 2 submitters: Likely pathogenic (2). Last evaluated 2023-04-24.

Conditions:
Cardiomyopathy (CMYO). Also called: Cardiomyopathies. Identifiers: Orphanet 167848, MedGen C0878544, MONDO:0004994, HP:0001638. Inheritance: Various modes of inheritance.
Arrhythmogenic cardiomyopathy with wooly hair and keratoderma. Also called: PALMOPLANTAR KERATODERMA WITH LEFT VENTRICULAR CARDIOMYOPATHY AND WOOLLY HAIR; Dilated cardiomyopathy with woolly hair and keratoderma; Arrhythmogenic cardiomyopathy with woolly hair and keratoderma; Carvajal syndrome. Identifiers: Orphanet 65282, MedGen C1854063, MONDO:0011581, OMIM 605676.

Submissions (2):

All of Us Research Program, National Institutes of Health
Classification: Likely pathogenic for Arrhythmogenic cardiomyopathy with wooly hair and keratoderma. Last evaluated: 2023-04-24. Review status: criteria provided, single submitter. Criteria: ACMG Guidelines, 2015. Collection method: clinical testing. Allele origin: germline. Inheritance: Autosomal dominant inheritance. Observed: 1 variant allele, 1 heterozygote.
Comment: This variant inserts 10 nucleotides in exon 24 of the DSP gene, creating a frameshift and premature translation stop signal in the last exon. The mutant transcript is expected to escape nonsense-mediated decay and be expressed as a truncated protein. Although functional studies have not been reported, this variant is expected to disrupt the central rod domain, plakin repeat domains, and downstream C-terminal sequence, which have been reported to be essential for interaction with intermediate filaments (PMID: 12101406, 12802069, 21756917). In addition, truncating variants occurring downstream of this variant are known to be disease-causing (ClinVar variation ID:199903, 222582, 518482). To our knowledge, this variant has not been reported in individuals affected with DSP-related disorders in the literature. This variant has not been identified in the general population by the Genome Aggregation Database (gnomAD). Loss of DSP function is a known mechanism of disease. Based on the available evidence, this variant is classified as Likely Pathogenic.

This study involves interpretation of variants in research participants for the purpose of population health screening. Participant phenotype was not available at the time of variant classification. Additional details can be found in publication PMID: 35346344, PMCID: PMC8962531

Color Diagnostics, LLC DBA Color Health
Classification: Likely pathogenic for Cardiomyopathy. Last evaluated: 2023-02-15. Review status: criteria provided, single submitter. Criteria: ACMG Guidelines, 2015. Collection method: clinical testing. Allele origin: germline.
Comment: This variant inserts 10 nucleotides in exon 24 of the DSP gene, creating a frameshift and premature translation stop signal in the last exon. The mutant transcript is expected to escape nonsense-mediated decay and be expressed as a truncated protein. Although functional studies have not been reported, this variant is expected to disrupt the central rod domain, plakin repeat domains, and downstream C-terminal sequence, which have been reported to be essential for interaction with intermediate filaments (PMID: 12101406, 12802069, 21756917). In addition, truncating variants occurring downstream of this variant are known to be disease-causing (ClinVar variation ID:199903, 222582, 518482). To our knowledge, this variant has not been reported in individuals affected with DSP-related disorders in the literature. This variant has not been identified in the general population by the Genome Aggregation Database (gnomAD). Loss of DSP function is a known mechanism of disease. Based on the available evidence, this variant is classified as Likely Pathogenic.

Literature cited by the submitters: PubMed 12101406 (cited by All of Us Research Program, National Institutes of Health and Color Diagnostics, LLC DBA Color Health); PubMed 12802069 (cited by All of Us Research Program, National Institutes of Health and Color Diagnostics, LLC DBA Color Health); PubMed 21756917 (cited by All of Us Research Program, National Institutes of Health and Color Diagnostics, LLC DBA Color Health).